The following is an entry in ClinVar:

NM_000038.6(APC):c.1134G>A (p.Glu378=)

Gene: APC (APC regulator of Wnt signaling pathway; plus strand). Cytogenetic location: 5q22.2.
Variant type: single nucleotide variant.
Coding change: c.1134G>A on transcript NM_000038.6 (MANE Select); coding-DNA position 1134, G replaced by A.
Protein change: p.Glu378=; no amino-acid change (glutamic acid 378 retained).
Molecular consequence: synonymous variant. On other transcripts: non-coding transcript variant (2), intron variant (15).
Genome position (GRCh38, 1-based): chr5:112,819,166, G>A. VCF-style: chr5-112819166-G-A. GRCh37 (hg19) VCF-style: chr5-112154863-G-A.
Other names: c.1134G>A (NM_000038.5); c.1134G>A, p.Glu378= (NM_001127510.3, NM_001354895.2, NM_001354896.2 and 4 more transcripts); c.1080G>A, p.Glu360= (NM_001127511.3); c.1164G>A, p.Glu388= (NM_001354897.2, NM_001407446.1); c.1059G>A, p.Glu353= (NM_001354898.2, NM_001407451.1); c.1050G>A, p.Glu350= (NM_001354899.2, NM_001407452.1); c.957G>A, p.Glu319= (NM_001354900.2, NM_001354901.2, NM_001407453.1); c.285G>A, p.Glu95= (NM_001354906.2, NM_001407470.1); and 6 more.
Identifiers: ClinVar variation 3148153 (VCV003148153.2), dbSNP rs774880515, ClinGen allele CA026782.

ClinVar aggregate classification (germline): Benign/Likely benign. Review status: criteria provided, multiple submitters, no conflicts (2 of 4 stars). 2 submissions from 2 submitters: Benign (1); Likely benign (1). Last evaluated 2025-11-15.

Conditions:
Hereditary cancer-predisposing syndrome. Also called: Neoplastic Syndromes, Hereditary; Tumor predisposition; Hereditary neoplastic syndrome; Hereditary Cancer Syndrome. Identifiers: Orphanet 140162, MedGen C0027672, MeSH D009386, MONDO:0015356.
Familial adenomatous polyposis 1 (FAP1). Also called: POLYPOSIS, ADENOMATOUS INTESTINAL; FAMILIAL ADENOMATOUS POLYPOSIS 1, ATTENUATED. Identifiers: MedGen C2713442, MONDO:0021056, OMIM 175100. Disease mechanism: loss of function.

Allele frequency attached by ClinVar (database versions not stated): gnomAD exomes below 0.00001; ExAC 0.00002.

Submissions (2):

Ambry Genetics
Classification: Likely benign for Hereditary cancer-predisposing syndrome. Last evaluated: 2025-11-15. Review status: criteria provided, single submitter. Criteria: Ambry Variant Classification Scheme 2023. Collection method: clinical testing. Allele origin: germline.

Myriad Genetics, Inc.
Classification: Benign for Familial adenomatous polyposis 1. Last evaluated: 2024-02-29. Review status: criteria provided, single submitter. Criteria: Myriad Autosomal Dominant, Autosomal Recessive and X-Linked Classification Criteria (2023). Collection method: clinical testing. Allele origin: unknown.
Comment: This variant is considered benign. This variant is a silent/synonymous amino acid change and it is not expected to impact splicing.